The following is an entry in ClinVar:

ClinVar aggregate classification (germline): Uncertain significance. Review status: criteria provided, multiple submitters, no conflicts (2 of 4 stars). 7 submissions from 7 submitters: Uncertain significance (6). 1 of the submissions does not count toward it. Last evaluated 2026-06-17.

Conditions:
Dilated cardiomyopathy 1J (CMD1J). Also called: CARDIOMYOPATHY, DILATED, WITH SENSORINEURAL HEARING LOSS, AUTOSOMAL DOMINANT. Identifiers: Orphanet 217622, MedGen C1854368, MONDO:0011541, OMIM 605362.
Myoepithelial tumor. Identifiers: MedGen C0027070, MeSH D009208, MONDO:0002380.
Autosomal dominant nonsyndromic hearing loss 10. Identifiers: Orphanet 90635, MedGen C1832476, MONDO:0011031, OMIM 601316.
Cardiovascular phenotype. Identifiers: MedGen CN230736.

Allele frequency attached by ClinVar (database versions not stated): gnomAD exomes 0.00004; TOPMed 0.00004; ExAC 0.00004; gnomAD 0.00001.

Submissions (7):

Women's Health and Genetics/Laboratory Corporation of America, LabCorp
Classification: Uncertain significance. Last evaluated: 2026-06-17. Review status: criteria provided, single submitter. Criteria: LabCorp Variant Classification Summary - May 2015. Collection method: clinical testing. Allele origin: germline.
Comment: Variant summary: EYA4 c.529G>A (p.Val177Ile) results in a conservative amino acid change in the encoded protein sequence. Algorithms developed to predict the effect of missense changes on protein structure and function are either unavailable or do not agree on the potential impact of this missense change. The variant allele was found at a frequency of 3.6e-05 in 251274 control chromosomes. The available data on variant occurrences in the general population are insufficient to allow any conclusion about variant significance. To our knowledge, no occurrence of c.529G>A in individuals affected with EYA4-related conditions and no experimental evidence demonstrating its impact on protein function have been reported. ClinVar contains an entry for this variant (Variation ID: 228681). Based on the evidence outlined above, the variant was classified as uncertain significance.

Labcorp Genetics (formerly Invitae), Labcorp
Classification: Uncertain significance for Dilated cardiomyopathy 1J. Last evaluated: 2026-01-11. Review status: criteria provided, single submitter. Criteria: Invitae Variant Classification Sherloc (09022015). Collection method: clinical testing. Allele origin: germline.
Comment: This sequence change replaces valine, which is neutral and non-polar, with isoleucine, which is neutral and non-polar, at codon 177 of the EYA4 protein (p.Val177Ile). This variant is present in population databases (rs776409783, gnomAD 0.01%). This variant has not been reported in the literature in individuals affected with EYA4-related conditions. ClinVar contains an entry for this variant (Variation ID: 228681). Invitae Evidence Modeling of protein sequence and biophysical properties (such as structural, functional, and spatial information, amino acid conservation, physicochemical variation, residue mobility, and thermodynamic stability) indicates that this missense variant is not expected to disrupt EYA4 protein function with a negative predictive value of 80%. In summary, the available evidence is currently insufficient to determine the role of this variant in disease. Therefore, it has been classified as a Variant of Uncertain Significance.

Ambry Genetics
Classification: Uncertain significance for Cardiovascular phenotype. Last evaluated: 2024-03-11. Review status: criteria provided, single submitter. Criteria: Ambry Variant Classification Scheme 2023. Collection method: clinical testing. Allele origin: germline.
Comment: The p.V177I variant (also known as c.529G>A), located in coding exon 7 of the EYA4 gene, results from a G to A substitution at nucleotide position 529. The valine at codon 177 is replaced by isoleucine, an amino acid with highly similar properties. This amino acid position is highly conserved in available vertebrate species. In addition, the in silico prediction for this alteration is inconclusive. Since supporting evidence is limited at this time, the clinical significance of this alteration remains unclear.

GeneDx
Classification: Uncertain significance. Last evaluated: 2023-08-07. Review status: criteria provided, single submitter. Criteria: GeneDx Variant Classification Process June 2021. Collection method: clinical testing. Allele origin: germline. Affected: yes.
Comment: Has not been previously published as pathogenic or benign to our knowledge; In silico analysis supports that this missense variant does not alter protein structure/function

Fulgent Genetics
Classification: Uncertain significance for Autosomal dominant nonsyndromic hearing loss 10; Dilated cardiomyopathy 1J. Last evaluated: 2021-08-18. Review status: criteria provided, single submitter. Criteria: ACMG Guidelines, 2015. Collection method: clinical testing. Allele origin: unknown.

Laboratory for Molecular Medicine, Mass General Brigham Personalized Medicine
Classification: Uncertain significance. Last evaluated: 2015-05-15. Review status: criteria provided, single submitter. Criteria: LMM Criteria. Collection method: clinical testing. Allele origin: germline. Observed: 1 variant allele.
Comment: The p.Val177Ile variant in EYA4 has not been previously reported in individuals with hearing loss, but has been identified in 4/66718 European chromosomes by th e Exome Aggregation Consortium (ExAC). Although this variant has been seen in the general population, its frequency is not high enough to rule out a pathogenic role. Computational prediction tools and conserv ation analyses do not provide strong support for or against an impact to the pro tein. In summary, the clinical significance of the p.Val177Ile variant is uncert ain.

Caryl and Israel Englander Institute for Precision Medicine, Weill Cornell Medicine
Classification: Uncertain significance for Myoepithelial tumor. Last evaluated: 2022-11-01. Review status: no assertion criteria provided. Collection method: research. Allele origin: somatic. Affected: yes. Not counted in ClinVar's aggregate classification.

NM_004100.5(EYA4):c.529G>A (p.Val177Ile)

Gene: EYA4 (EYA transcriptional coactivator and phosphatase 4; plus strand). Cytogenetic location: 6q23.2.
Variant type: single nucleotide variant.
Coding change: c.529G>A on transcript NM_004100.5 (MANE Select); coding-DNA position 529, G replaced by A.
Protein change: p.Val177Ile; replaces valine 177 with isoleucine.
Molecular consequence: missense variant.
Genome position (GRCh38, 1-based): chr6:133,462,426, G>A. VCF-style: chr6-133462426-G-A. GRCh37 (hg19) VCF-style: chr6-133783564-G-A.
Other names: c.367G>A, p.Val123Ile (NM_001301012.2, NM_001370459.1); c.529G>A, p.Val177Ile (NM_001301013.2, NM_172105.4); c.460G>A, p.Val154Ile (NM_001370458.1, NM_172103.4); short protein forms V177I, V123I, V154I.
Identifiers: ClinVar variation 228681 (VCV000228681.20), dbSNP rs776409783, ClinGen allele CA4008088.